The following is an entry in ClinVar:

NM_203447.4(DOCK8):c.6105C>G (p.Ile2035Met)

Gene: DOCK8 (dedicator of cytokinesis 8; plus strand). Cytogenetic location: 9p24.3.
Variant type: single nucleotide variant.
Coding change: c.6105C>G on transcript NM_203447.4 (MANE Select); coding-DNA position 6105, C replaced by G.
Protein change: p.Ile2035Met; replaces isoleucine 2035 with methionine.
Molecular consequence: missense variant.
Genome position (GRCh38, 1-based): chr9:463,553, C>G. VCF-style: chr9-463553-C-G. GRCh37 (hg19) VCF-style: chr9-463553-C-G.
Other names: c.5805C>G, p.Ile1935Met (NM_001190458.2); c.5901C>G, p.Ile1967Met (NM_001193536.2); short protein forms I1935M, I2035M, I1967M.
Identifiers: ClinVar variation 1362226 (VCV001362226.8), dbSNP rs2131981954, ClinGen allele CA372751607.

ClinVar aggregate classification (germline): Uncertain significance (1 of 4 stars; one submission).

Conditions:
Combined immunodeficiency due to DOCK8 deficiency (HIES2). Also called: HIES autosomal recessive; Hyper-IgE recurrent infection syndrome, autosomal recessive; DOCK8 Deficiency; HYPER-IgE RECURRENT INFECTION SYNDROME 2, AUTOSOMAL RECESSIVE; HYPER-IgE SYNDROME 2, AUTOSOMAL RECESSIVE, WITH RECURRENT INFECTIONS. Identifiers: Orphanet 217390, MedGen C4722305, MONDO:0009478, OMIM 243700.

Submission:

Labcorp Genetics (formerly Invitae), Labcorp
Classification: Uncertain significance for Combined immunodeficiency due to DOCK8 deficiency. Last evaluated: 2022-08-16. Review status: criteria provided, single submitter. Criteria: Invitae Variant Classification Sherloc (09022015). Collection method: clinical testing. Allele origin: germline.
Comment: ClinVar contains an entry for this variant (Variation ID: 1362226). Algorithms developed to predict the effect of missense changes on protein structure and function are either unavailable or do not agree on the potential impact of this missense change (SIFT: "Deleterious"; PolyPhen-2: "Probably Damaging"; Align-GVGD: "Class C0"). In summary, the available evidence is currently insufficient to determine the role of this variant in disease. Therefore, it has been classified as a Variant of Uncertain Significance. This variant has not been reported in the literature in individuals affected with DOCK8-related conditions. This sequence change replaces isoleucine, which is neutral and non-polar, with methionine, which is neutral and non-polar, at codon 2035 of the DOCK8 protein (p.Ile2035Met). This variant is not present in population databases (gnomAD no frequency).